The following is an entry in ClinVar:

ClinVar aggregate classification (germline): Conflicting classifications of pathogenicity. Review status: criteria provided, conflicting classifications (1 of 4 stars). 3 submissions from 3 submitters: Uncertain significance (2); Likely benign (1). Last evaluated 2025-08-08.

Conditions:
Inborn genetic diseases. Identifiers: MedGen C0950123, MeSH D030342.
Developmental and epileptic encephalopathy, 36 (DEE36). Also called: ALG13-CDG; Epileptic encephalopathy, early infantile, 36; Congenital disorder of glycosylation, type Is. Identifiers: Orphanet 324422, MedGen C4317295, MONDO:0010472, OMIM 300884.

Allele frequency attached by ClinVar (database versions not stated): gnomAD 0.00001; gnomAD exomes 0.00001; TOPMed 0.00002.
gnomAD v4.1: 7 of 1,208,997 alleles (0.00058%); highest among the groups gnomAD compares: Admixed American, 0.015%; no homozygotes.

Submissions (3):

Labcorp Genetics (formerly Invitae), Labcorp
Classification: Uncertain significance for Developmental and epileptic encephalopathy, 36. Last evaluated: 2025-08-08. Review status: criteria provided, single submitter. Criteria: Invitae Variant Classification Sherloc (09022015). Collection method: clinical testing. Allele origin: germline.
Comment: This sequence change replaces serine, which is neutral and polar, with phenylalanine, which is neutral and non-polar, at codon 1093 of the ALG13 protein (p.Ser1093Phe). This variant is present in population databases (no rsID available, gnomAD 0.004%). This missense change has been observed in individuals with clinical features of early onset epileptic encephalopathy (internal data). ClinVar contains an entry for this variant (Variation ID: 509152). Invitae Evidence Modeling of protein sequence and biophysical properties (such as structural, functional, and spatial information, amino acid conservation, physicochemical variation, residue mobility, and thermodynamic stability) indicates that this missense variant is not expected to disrupt ALG13 protein function with a negative predictive value of 95%. In summary, the available evidence is currently insufficient to determine the role of this variant in disease. Therefore, it has been classified as a Variant of Uncertain Significance.

Ambry Genetics
Classification: Uncertain significance for Inborn genetic diseases. Last evaluated: 2019-03-22. Review status: criteria provided, single submitter. Criteria: Ambry Variant Classification Scheme 2023. Collection method: clinical testing. Allele origin: germline.
Comment: The p.S1093F variant (also known as c.3278C>T), located in coding exon 27 of the ALG13 gene, results from a C to T substitution at nucleotide position 3278. The serine at codon 1093 is replaced by phenylalanine, an amino acid with highly dissimilar properties. This amino acid position is poorly conserved in available vertebrate species. In addition, this alteration is predicted to be tolerated by in silico analysis. Since supporting evidence is limited at this time, the clinical significance of this alteration remains unclear.

GeneDx
Classification: Likely benign. Last evaluated: 2017-07-13. Review status: criteria provided, single submitter. Criteria: GeneDx Variant Classification (06012015). Collection method: clinical testing. Allele origin: germline. Affected: yes.
Comment: This variant is considered likely benign or benign based on one or more of the following criteria: it is a conservative change, it occurs at a poorly conserved position in the protein, it is predicted to be benign by multiple in silico algorithms, and/or has population frequency not consistent with disease.

NM_001099922.3(ALG13):c.3278C>T (p.Ser1093Phe)

Gene: ALG13 (ALG13 UDP-N-acetylglucosaminyltransferase subunit; plus strand). Cytogenetic location: Xq23.
Variant type: single nucleotide variant.
Coding change: c.3278C>T on transcript NM_001099922.3 (MANE Select); coding-DNA position 3278, C replaced by T.
Protein change: p.Ser1093Phe; replaces serine 1093 with phenylalanine.
Molecular consequence: missense variant. On other transcripts: non-coding transcript variant (1).
Genome position (GRCh38, 1-based): chrX:111,759,863, C>T. VCF-style: chrX-111759863-C-T. GRCh37 (hg19) VCF-style: chrX-111003091-C-T.
Other names: c.2729C>T, p.Ser910Phe (NM_001257230.2, NM_001257234.2, NM_001257237.2); c.3044C>T, p.Ser1015Phe (NM_001257231.2); c.3041C>T, p.Ser1014Phe (NM_001324292.2); c.2555C>T, p.Ser852Phe (NM_001324293.1); short protein forms S1093F, S1015F, S910F, S1014F, S852F.
Identifiers: ClinVar variation 509152 (VCV000509152.11), dbSNP rs1465704791, ClinGen allele CA414293461.
Genomic context (GRCh38, chrX:111,759,863, plus strand): 5'-CCTATGGGCAGCCACCTTTGCCAGGTTTTGACTCCTGCCTTCCGGTTGTGCCAGATTATT[C>T]CTGTGTTCCCCCCTGGCATCCAGTTGGTACAGCATATGGTGGTTCTTCTCAAATTCATGG-3'
Protein context (NP_001093392.1, residues 1083-1103): DSCLPVVPDY[Ser1093Phe]CVPPWHPVGT